The following is an entry in ClinVar:

ClinVar aggregate classification (germline): Uncertain significance. Review status: reviewed by expert panel (3 of 4 stars). 4 submissions from 4 submitters: Uncertain significance (1). 3 of the submissions do not count toward it. Last evaluated 2025-01-15.

Conditions:
Hereditary thrombocytopenia and hematologic cancer predisposition syndrome. Identifiers: Orphanet 71290, MedGen CN281654, MONDO:0011071.
Acute myeloid leukemia (AML). Also called: Leukemia, acute myeloid, somatic; Leukemia, acute myelogenous, somatic; Acute myeloid leukemia, adult; AML adult; Acute non-lymphocytic leukemia; Acute granulocytic leukemia. Identifiers: Orphanet 519, MedGen C0023467, MeSH D015470, MONDO:0018874, OMIM 601626, HP:0004808. Disease mechanism: Constitutively activated FLT3.
Hereditary thrombocytopenia and hematological cancer predisposition syndrome associated with RUNX1. Also called: Familial Platelet Disorder with Propensity to Acute Myelogenous Leukemia; Familial thrombocytopenia with propensity to acute myelogenous leukemia; PLATELET DISORDER, ASPIRIN-LIKE; RUNX1 Familial Platelet Disorder with Associated Myeloid Malignancies. Identifiers: Orphanet 71290, MedGen C1832388, MeSH C563324, MONDO:0100083, OMIM 601399.
Inborn genetic diseases. Identifiers: MedGen C0950123, MeSH D030342.

Allele frequency attached by ClinVar (database versions not stated): gnomAD exomes below 0.00001 and 0.00001; TOPMed below 0.00001; ExAC 0.00001.
gnomAD v4.1: 3 of 1,575,710 alleles (0.00019%); highest among the groups gnomAD compares: Admixed American, 0.0033%; no homozygotes.

Submissions (4):

ClinGen Myeloid Malignancy Variant Curation Expert Panel
Classification: Uncertain significance for Hereditary thrombocytopenia and hematologic cancer predisposition syndrome. Last evaluated: 2025-01-15. Review status: reviewed by expert panel. Criteria: ClinGen MyeloMalig ACMG Specifications v2. Collection method: curation. Allele origin: germline. Inheritance: Autosomal dominant inheritance.
Comment: NM_001754.5(RUNX1):c.77A>C (p.Asn26Thr) is a missense variant which has a REVEL score < 0.50 (0.3) and a SpliceAI score ≤ 0.20 (0.02) (BP4). In summary, the clinical significance of this variant is uncertain. ACMG/AMP criteria applied, as specified by the Myeloid Malignancy Variant Curation Expert Panel for RUNX1: BP4

Ambry Genetics
Classification: Uncertain significance for Inborn genetic diseases. Last evaluated: 2025-01-21. Review status: criteria provided, single submitter. Criteria: Ambry Variant Classification Scheme 2023. Collection method: clinical testing. Allele origin: germline. Not counted in ClinVar's aggregate classification.
Comment: The p.N26T variant (also known as c.77A>C), located in coding exon 2 of the RUNX1 gene, results from an A to C substitution at nucleotide position 77. The asparagine at codon 26 is replaced by threonine, an amino acid with similar properties. This amino acid position is conserved. In addition, this alteration is predicted to be tolerated by in silico analysis. Based on the available evidence, the clinical significance of this variant remains unclear.

Baylor Genetics
Classification: Uncertain significance for Acute myeloid leukemia. Last evaluated: 2024-03-24. Review status: criteria provided, single submitter. Criteria: ACMG Guidelines, 2015. Collection method: clinical testing. Allele origin: unknown. Not counted in ClinVar's aggregate classification.

Labcorp Genetics (formerly Invitae), Labcorp
Classification: Uncertain significance for Hereditary thrombocytopenia and hematological cancer predisposition syndrome associated with RUNX1. Last evaluated: 2023-04-23. Review status: criteria provided, single submitter. Criteria: Invitae Variant Classification Sherloc (09022015). Collection method: clinical testing. Allele origin: germline. Not counted in ClinVar's aggregate classification.
Comment: This sequence change replaces asparagine, which is neutral and polar, with threonine, which is neutral and polar, at codon 26 of the RUNX1 protein (p.Asn26Thr). This variant is present in population databases (rs778220296, gnomAD 0.003%). ClinVar contains an entry for this variant (Variation ID: 1494340). In summary, the available evidence is currently insufficient to determine the role of this variant in disease. Therefore, it has been classified as a Variant of Uncertain Significance. An algorithm developed to predict the effect of missense changes on protein structure and function (PolyPhen-2) suggests that this variant is likely to be tolerated. This variant has not been reported in the literature in individuals affected with RUNX1-related conditions.

NM_001754.5(RUNX1):c.77A>C (p.Asn26Thr)

Gene: RUNX1 (RUNX family transcription factor 1; minus strand). Cytogenetic location: 21q22.12.
Variant type: single nucleotide variant.
Coding change: c.77A>C on transcript NM_001754.5 (MANE Select); coding-DNA position 77, A replaced by C.
Protein change: p.Asn26Thr; replaces asparagine 26 with threonine.
Molecular consequence: missense variant.
Genome position (GRCh38, 1-based): chr21:34,892,945, T>G on the plus strand (A>C on the coding strand, the complement: RUNX1 is on the minus strand). VCF-style: chr21-34892945-T-G. GRCh37 (hg19) VCF-style: chr21-36265242-T-G.
Other names: NM_001754.5(RUNX1):c.77A>C; p.Asn26Thr; c.77A>C (NM_001754.4); short protein forms N26T.
Identifiers: ClinVar variation 1494340 (VCV001494340.11), dbSNP rs778220296, ClinGen allele CA10014633.